The following is an entry in ClinVar:

ClinVar aggregate classification (germline): Uncertain significance. Review status: criteria provided, multiple submitters, no conflicts (2 of 4 stars). 2 submissions from 2 submitters: Uncertain significance (2). Last evaluated 2023-06-22.

Conditions:
Ataxia-telangiectasia syndrome (AT). Also called: Ataxia telangiectasia (A-T); LOUIS-BAR SYNDROME; Cerebello-oculocutaneous telangiectasia; Immunodeficiency with ataxia telangiectasia; ATAXIA-TELANGIECTASIA, COMPLEMENTATION GROUP A; ATAXIA-TELANGIECTASIA, FRESNO VARIANT. Identifiers: Orphanet 100, MedGen C0004135, MONDO:0008840, OMIM 208900.
Hereditary cancer-predisposing syndrome. Also called: Tumor predisposition; Hereditary Cancer Syndrome; Hereditary neoplastic syndrome; Neoplastic Syndromes, Hereditary. Identifiers: Orphanet 140162, MedGen C0027672, MeSH D009386, MONDO:0015356.

Submissions (2):

Ambry Genetics
Classification: Uncertain significance for Hereditary cancer-predisposing syndrome. Last evaluated: 2023-06-22. Review status: criteria provided, single submitter. Criteria: Ambry Variant Classification Scheme 2023. Collection method: clinical testing. Allele origin: germline.
Comment: The p.L1889M variant (also known as c.5665T>A), located in coding exon 36 of the ATM gene, results from a T to A substitution at nucleotide position 5665. The leucine at codon 1889 is replaced by methionine, an amino acid with highly similar properties. This amino acid position is not well conserved in available vertebrate species. In addition, this alteration is predicted to be tolerated by in silico analysis. Since supporting evidence is limited at this time, the clinical significance of this alteration remains unclear.

Labcorp Genetics (formerly Invitae), Labcorp
Classification: Uncertain significance for Ataxia-telangiectasia syndrome. Last evaluated: 2023-06-14. Review status: criteria provided, single submitter. Criteria: Invitae Variant Classification Sherloc (09022015). Collection method: clinical testing. Allele origin: germline.
Comment: This sequence change replaces leucine, which is neutral and non-polar, with methionine, which is neutral and non-polar, at codon 1889 of the ATM protein (p.Leu1889Met). This variant is not present in population databases (gnomAD no frequency). This variant has not been reported in the literature in individuals affected with ATM-related conditions. ClinVar contains an entry for this variant (Variation ID: 233339). Algorithms developed to predict the effect of missense changes on protein structure and function output the following: SIFT: "Not Available"; PolyPhen-2: "Benign"; Align-GVGD: "Not Available". The methionine amino acid residue is found in multiple mammalian species, which suggests that this missense change does not adversely affect protein function. In summary, the available evidence is currently insufficient to determine the role of this variant in disease. Therefore, it has been classified as a Variant of Uncertain Significance.

NM_000051.4(ATM):c.5665T>A (p.Leu1889Met)

Gene: ATM (ATM serine/threonine kinase; plus strand). Cytogenetic location: 11q22.3.
Variant type: single nucleotide variant.
Coding change: c.5665T>A on transcript NM_000051.4 (MANE Select); coding-DNA position 5665, T replaced by A.
Protein change: p.Leu1889Met; replaces leucine 1889 with methionine.
Molecular consequence: missense variant.
Genome position (GRCh38, 1-based): chr11:108,304,843, T>A. VCF-style: chr11-108304843-T-A. GRCh37 (hg19) VCF-style: chr11-108175570-T-A.
Other names: c.5665T>A, p.Leu1889Met (NM_001351834.2); short protein forms L1889M.
Identifiers: ClinVar variation 233339 (VCV000233339.14), dbSNP rs746106249, ClinGen allele CA10579191.
Genomic context (GRCh38, chr11:108,304,843, plus strand): 5'-TTTTTCACCAGCTGTCTTCGACACTTCTCGCAAACGAGCCGATCCACAACCCCTGCAAAC[T>A]TGGATTCAGGTATTCTATTAAATTTTTAACATTAATACTGTAAACTCAGTTCTAGAGAAA-3'
Protein context (NP_000042.3, residues 1879-1899): QTSRSTTPAN[Leu1889Met]DSESEHFFRC